The following is an entry in ClinVar:

NM_001148.6(ANK2):c.1006C>G (p.Leu336Val)

Gene: ANK2 (ankyrin 2; plus strand). Cytogenetic location: 4q26.
Variant type: single nucleotide variant.
Coding change: c.1006C>G on transcript NM_001148.6 (MANE Select); coding-DNA position 1006, C replaced by G.
Protein change: p.Leu336Val; replaces leucine 336 with valine.
Molecular consequence: missense variant.
Genome position (GRCh38, 1-based): chr4:113,255,750, C>G. VCF-style: chr4-113255750-C-G. GRCh37 (hg19) VCF-style: chr4-114176906-C-G.
Other names: c.943C>G, p.Leu315Val (NM_001127493.3, NM_001354239.2, NM_001354243.2 and 14 more transcripts); c.1006C>G, p.Leu336Val (NM_001354225.2, NM_001354228.2, NM_001354232.2 and 9 more transcripts); c.1051C>G, p.Leu351Val (NM_001354230.2, NM_001354231.2, NM_001354237.2 and 5 more transcripts); c.919C>G, p.Leu307Val (NM_001354249.2, NM_001354260.2, NM_001354264.2 and 16 more transcripts); c.964C>G, p.Leu322Val (NM_001354261.2, NM_001386147.1, NM_001386160.1); c.994C>G, p.Leu332Val (NM_001354269.3, NM_001386148.2, NM_001386186.2); c.1057C>G, p.Leu353Val (NM_001386174.1); c.1033C>G, p.Leu345Val (NM_001386175.1); and 1 more; short protein forms L307V, L324V, L351V, L345V, L332V, L353V, L315V, L322V.
Identifiers: ClinVar variation 3294688 (VCV003294688.1).
Genomic context (GRCh38, chr4:113,255,750, plus strand): 5'-ATGAAAAAAAAAAAGGACATTATTTTGTTTTCTTTTAATGTGCAGAATGGGCTGTCTCCA[C>G]TACACATGGCTGCCCAGGGAGACCACGTGGAATGTGTGAAGCACCTGTTACAGCACAAGG-3'
Protein context (NP_001139.3, residues 326-346): LARTKNGLSP[Leu336Val]HMAAQGDHVE

ClinVar aggregate classification (germline): Uncertain significance (1 of 4 stars; one submission).

Conditions:
Cardiovascular phenotype. Identifiers: MedGen CN230736.

Submission:

Ambry Genetics
Classification: Uncertain significance for Cardiovascular phenotype. Last evaluated: 2024-03-27. Review status: criteria provided, single submitter. Criteria: Ambry Variant Classification Scheme 2023. Collection method: clinical testing. Allele origin: germline.
Comment: The p.L336V variant (also known as c.1006C>G), located in coding exon 11 of the ANK2 gene, results from a C to G substitution at nucleotide position 1006. The leucine at codon 336 is replaced by valine, an amino acid with highly similar properties. This amino acid position is highly conserved in available vertebrate species. In addition, this alteration is predicted to be deleterious by in silico analysis. Based on the available evidence, the clinical significance of this alteration remains unclear.